The following is an entry in ClinVar:

NM_001868.4(CPA1):c.733G>C (p.Gly245Arg)

Gene: CPA1 (carboxypeptidase A1; plus strand). Cytogenetic location: 7q32.2.
Variant type: single nucleotide variant.
Coding change: c.733G>C on transcript NM_001868.4 (MANE Select); coding-DNA position 733, G replaced by C.
Protein change: p.Gly245Arg; replaces glycine 245 with arginine.
Molecular consequence: missense variant.
Genome position (GRCh38, 1-based): chr7:130,384,572, G>C. VCF-style: chr7-130384572-G-C. GRCh37 (hg19) VCF-style: chr7-130024413-G-C.
Other names: short protein forms G245R.
Identifiers: ClinVar variation 4771403 (VCV004771403.1).

ClinVar aggregate classification (germline): Uncertain significance (1 of 4 stars; one submission).

Submission:

Labcorp Genetics (formerly Invitae), Labcorp
Classification: Uncertain significance. Last evaluated: 2025-11-03. Review status: criteria provided, single submitter. Criteria: Invitae Variant Classification Sherloc (09022015). Collection method: clinical testing. Allele origin: germline.
Comment: This sequence change replaces glycine, which is neutral and non-polar, with arginine, which is basic and polar, at codon 245 of the CPA1 protein (p.Gly245Arg). This variant is not present in population databases (gnomAD no frequency). This variant has not been reported in the literature in individuals affected with CPA1-related conditions. Invitae Evidence Modeling of protein sequence and biophysical properties (such as structural, functional, and spatial information, amino acid conservation, physicochemical variation, residue mobility, and thermodynamic stability) indicates that this missense variant is not expected to disrupt CPA1 protein function with a negative predictive value of 80%. In summary, the available evidence is currently insufficient to determine the role of this variant in disease. Therefore, it has been classified as a Variant of Uncertain Significance.